The following is an entry in ClinVar:

NM_004706.4(ARHGEF1):c.1016-5C>T

Gene: ARHGEF1 (Rho guanine nucleotide exchange factor 1; plus strand). Cytogenetic location: 19q13.2.
Variant type: single nucleotide variant.
Coding change: c.1016-5C>T on transcript NM_004706.4 (MANE Select); 5 bases into the intron before coding-DNA position 1016, C replaced by T.
Molecular consequence: intron variant.
Genome position (GRCh38, 1-based): chr19:41,896,372, C>T. VCF-style: chr19-41896372-C-T. GRCh37 (hg19) VCF-style: chr19-42400445-C-T.
Other names: c.917-5C>T (NM_198977.2); c.1061-5C>T (NM_199002.2, NM_199002.1).
Identifiers: ClinVar variation 1170171 (VCV001170171.12), dbSNP rs201322553, ClinGen allele CA9466165.

ClinVar aggregate classification (germline): Benign/Likely benign. Review status: criteria provided, multiple submitters, no conflicts (2 of 4 stars). 3 submissions from 3 submitters: Benign (1); Likely benign (1). 1 of the submissions does not count toward it. Last evaluated 2025-10-12.

Conditions:
ARHGEF1-related disorder. Also called: ARHGEF1-related condition.

Allele frequency attached by ClinVar (database versions not stated): ESP Exome Variant Server 0.00047; 1000 Genomes Project 30x 0.00078; 1000 Genomes Project 0.00080.
gnomAD v4.1: 204 of 1,427,076 alleles (0.014%); highest among the groups gnomAD compares: African/African-American, 0.26%; no homozygotes.

Submissions (3):

Labcorp Genetics (formerly Invitae), Labcorp
Classification: Benign. Last evaluated: 2025-10-12. Review status: criteria provided, single submitter. Criteria: Invitae Variant Classification Sherloc (09022015). Collection method: clinical testing. Allele origin: germline.

Blueprint Genetics
Classification: Likely benign. Last evaluated: 2023-02-09. Review status: criteria provided, single submitter. Criteria: ACMG Guidelines, 2015. Collection method: clinical testing. Allele origin: germline.

PreventionGenetics, part of Exact Sciences
Classification: Likely benign for ARHGEF1-related condition. Last evaluated: 2019-11-26. Review status: no assertion criteria provided. Collection method: clinical testing. Allele origin: germline. Not counted in ClinVar's aggregate classification.
Comment: This variant is classified as likely benign based on ACMG/AMP sequence variant interpretation guidelines (Richards et al. 2015 PMID: 25741868, with internal and published modifications).